The following is an entry in ClinVar:

ClinVar aggregate classification (germline): Uncertain significance (1 of 4 stars; one submission).

Conditions:
Congenital disorder of glycosylation, type Ii. Also called: CDG Ii; ALG2-congenital disorder of glycosylation; ALG2-CDG. Identifiers: Orphanet 79326, MedGen C1842836, MONDO:0011933, OMIM 607906.
Congenital myasthenic syndrome 14. Also called: Myasthenic syndrome, congenital, 14, with tubular aggregates. Identifiers: Orphanet 353327, Orphanet 590, MedGen C4015597, MONDO:0014543, OMIM 616228.

Submission:

Labcorp Genetics (formerly Invitae), Labcorp
Classification: Uncertain significance for Congenital disorder of glycosylation, type Ii; Congenital myasthenic syndrome 14. Last evaluated: 2024-04-17. Review status: criteria provided, single submitter. Criteria: Invitae Variant Classification Sherloc (09022015). Collection method: clinical testing. Allele origin: germline.
Comment: This sequence change replaces leucine, which is neutral and non-polar, with histidine, which is basic and polar, at codon 312 of the ALG2 protein (p.Leu312His). This variant is not present in population databases (gnomAD no frequency). This variant has not been reported in the literature in individuals affected with ALG2-related conditions. An algorithm developed to predict the effect of missense changes on protein structure and function (PolyPhen-2) suggests that this variant is likely to be disruptive. In summary, the available evidence is currently insufficient to determine the role of this variant in disease. Therefore, it has been classified as a Variant of Uncertain Significance.

NM_033087.4(ALG2):c.935T>A (p.Leu312His)

Gene: ALG2 (ALG2 alpha-1,3/1,6-mannosyltransferase; minus strand). Cytogenetic location: 9q22.33.
Variant type: single nucleotide variant.
Coding change: c.935T>A on transcript NM_033087.4 (MANE Select); coding-DNA position 935, T replaced by A.
Protein change: p.Leu312His; replaces leucine 312 with histidine.
Molecular consequence: missense variant. On other transcripts: non-coding transcript variant (1).
Genome position (GRCh38, 1-based): chr9:99,218,250, A>T on the plus strand (T>A on the coding strand, the complement: ALG2 is on the minus strand). VCF-style: chr9-99218250-A-T. GRCh37 (hg19) VCF-style: chr9-101980532-A-T.
Other names: short protein forms L312H.
Identifiers: ClinVar variation 2939205 (VCV002939205.3), dbSNP rs2490382542, ClinGen allele CA374226880.